The following is an entry in ClinVar:

NM_014363.6(SACS):c.3774C>A (p.Phe1258Leu)

Gene: SACS (sacsin molecular chaperone; minus strand). Cytogenetic location: 13q12.12.
Variant type: single nucleotide variant.
Coding change: c.3774C>A on transcript NM_014363.6 (MANE Select); coding-DNA position 3774, C replaced by A.
Protein change: p.Phe1258Leu; replaces phenylalanine 1258 with leucine.
Molecular consequence: missense variant.
Genome position (GRCh38, 1-based): chr13:23,340,102, G>T on the plus strand (C>A on the coding strand, the complement: SACS is on the minus strand). VCF-style: chr13-23340102-G-T. GRCh37 (hg19) VCF-style: chr13-23914241-G-T.
Other names: c.3333C>A, p.Phe1111Leu (NM_001278055.2); short protein forms F1258L, F1111L.
Identifiers: ClinVar variation 1920689 (VCV001920689.5), dbSNP rs202032882, ClinGen allele CA246661919.

ClinVar aggregate classification (germline): Uncertain significance (1 of 4 stars; one submission).

Conditions:
Spastic paraplegia. Identifiers: MedGen C0037772, HP:0001258.

Allele frequency attached by ClinVar (database versions not stated): gnomAD exomes 0.00002.
gnomAD v4.1: 23 of 1,613,984 alleles (0.0014%); highest among the groups gnomAD compares: Non-Finnish European, 0.0019%; no homozygotes.

Submission:

Labcorp Genetics (formerly Invitae), Labcorp
Classification: Uncertain significance for Spastic paraplegia. Last evaluated: 2024-11-19. Review status: criteria provided, single submitter. Criteria: Invitae Variant Classification Sherloc (09022015). Collection method: clinical testing. Allele origin: germline.
Comment: This sequence change replaces phenylalanine, which is neutral and non-polar, with leucine, which is neutral and non-polar, at codon 1258 of the SACS protein (p.Phe1258Leu). This variant is present in population databases (rs202032882, gnomAD 0.0009%). This variant has not been reported in the literature in individuals affected with SACS-related conditions. ClinVar contains an entry for this variant (Variation ID: 1920689). Invitae Evidence Modeling of protein sequence and biophysical properties (such as structural, functional, and spatial information, amino acid conservation, physicochemical variation, residue mobility, and thermodynamic stability) indicates that this missense variant is not expected to disrupt SACS protein function with a negative predictive value of 95%. In summary, the available evidence is currently insufficient to determine the role of this variant in disease. Therefore, it has been classified as a Variant of Uncertain Significance.